The following is an entry in ClinVar:

NM_000784.4(CYP27A1):c.1117C>A (p.Gln373Lys)

Gene: CYP27A1 (cytochrome P450 family 27 subfamily A member 1; plus strand). Cytogenetic location: 2q35.
Variant type: single nucleotide variant.
Coding change: c.1117C>A on transcript NM_000784.4 (MANE Select); coding-DNA position 1117, C replaced by A.
Protein change: p.Gln373Lys; replaces glutamine 373 with lysine.
Molecular consequence: missense variant.
Genome position (GRCh38, 1-based): chr2:218,814,120, C>A. VCF-style: chr2-218814120-C-A. GRCh37 (hg19) VCF-style: chr2-219678843-C-A.
Other names: short protein forms Q373K.
Identifiers: ClinVar variation 1387460 (VCV001387460.3), dbSNP rs536176295, ClinGen allele CA2112808.
Genomic context (GRCh38, chr2:218,814,120, plus strand): 5'-AAGGACCCTGAGATCCAGGAGGCCTTGCACGAGGAAGTGGTGGGTGTGGTGCCAGCCGGG[C>A]AAGTGCCCCAGCACAAGGACTTTGCCCACATGCCGTTGCTCAAAGCTGTGCTTAAGGAGA-3'
Protein context (NP_000775.1, residues 363-383): EEVVGVVPAG[Gln373Lys]VPQHKDFAHM

ClinVar aggregate classification (germline): Uncertain significance (1 of 4 stars; one submission).

Conditions:
Cholestanol storage disease (CTX). Also called: Cerebrotendinous Xanthomatosis; CTX: Cerebrotendinous xanthomatosis; CEREBRAL CHOLESTERINOSIS. Identifiers: Orphanet 909, MedGen C0238052, MONDO:0008948, OMIM 213700.

Allele frequency attached by ClinVar (database versions not stated): gnomAD exomes below 0.00001; ExAC 0.00001; 1000 Genomes Project 30x 0.00031; 1000 Genomes Project 0.00040.

Submission:

Labcorp Genetics (formerly Invitae), Labcorp
Classification: Uncertain significance for Cholestanol storage disease. Last evaluated: 2021-11-24. Review status: criteria provided, single submitter. Criteria: Invitae Variant Classification Sherloc (09022015). Collection method: clinical testing. Allele origin: germline.
Comment: This sequence change replaces glutamine, which is neutral and polar, with lysine, which is basic and polar, at codon 373 of the CYP27A1 protein (p.Gln373Lys). This variant is present in population databases (rs536176295, gnomAD 0.007%). This variant has not been reported in the literature in individuals affected with CYP27A1-related conditions. Advanced modeling of protein sequence and biophysical properties (such as structural, functional, and spatial information, amino acid conservation, physicochemical variation, residue mobility, and thermodynamic stability) performed at Invitae indicates that this missense variant is not expected to disrupt CYP27A1 protein function. In summary, the available evidence is currently insufficient to determine the role of this variant in disease. Therefore, it has been classified as a Variant of Uncertain Significance.